The following is an entry in ClinVar:

NM_000059.4(BRCA2):c.7976+2C>A

Gene: BRCA2 (BRCA2 DNA repair associated; plus strand). Cytogenetic location: 13q13.1.
Variant type: single nucleotide variant.
Coding change: c.7976+2C>A on transcript NM_000059.4 (MANE Select); the canonical splice donor site of the intron after coding-DNA position 7976, C replaced by A.
Molecular consequence: splice donor variant.
Genome position (GRCh38, 1-based): chr13:32,362,695, C>A. VCF-style: chr13-32362695-C-A. GRCh37 (hg19) VCF-style: chr13-32936832-C-A.
Other names: c.7976+2C>A (NM_001406720.1); c.7880+2C>A (NM_001406719.1); c.3044+2C>A (NM_001406721.1); c.1559+2C>A (NM_001406722.1).
Identifiers: ClinVar variation 267689 (VCV000267689.12), dbSNP rs886040943, ClinGen allele CA10602543.

ClinVar aggregate classification (germline): Pathogenic/Likely pathogenic. Review status: criteria provided, multiple submitters, no conflicts (2 of 4 stars). 3 submissions from 3 submitters: Pathogenic (2); Likely pathogenic (1). Last evaluated 2024-06-14.

Conditions:
Breast-ovarian cancer, familial, susceptibility to, 2 (BROVCA2). Also called: BRCA2 Hereditary Breast and Ovarian Cancer. Identifiers: Orphanet 145, MedGen C2675520, MONDO:0012933, OMIM 612555. Disease mechanism: loss of function.
Hereditary breast ovarian cancer syndrome. Also called: BRCA1- and BRCA2-Associated Hereditary Breast and Ovarian Cancer; Hereditary breast and ovarian cancer; Breast and ovarian cancer; Hereditary breast and/or ovarian cancer syndrome; Hereditary breast and ovarian cancer syndrome; Hereditary breast and ovarian cancer syndrome (HBOC). Identifiers: Orphanet 145, MedGen C0677776, MeSH D061325, MONDO:0003582. Disease mechanism: loss of function.
Hereditary cancer-predisposing syndrome. Also called: Hereditary neoplastic syndrome; Neoplastic Syndromes, Hereditary; Tumor predisposition; Hereditary Cancer Syndrome. Identifiers: Orphanet 140162, MedGen C0027672, MeSH D009386, MONDO:0015356.

Submissions (3):

Color Diagnostics, LLC DBA Color Health
Classification: Likely pathogenic for Hereditary cancer-predisposing syndrome. Last evaluated: 2024-06-14. Review status: criteria provided, single submitter. Criteria: ACMG Guidelines, 2015. Collection method: clinical testing. Allele origin: germline.
Comment: This variant causes a C>G nucleotide substitution at the +2 position of intron 17 of the BRCA2 gene. To our knowledge, RNA and functional studies have not been reported for this variant. However, different variants impacting this splice donor site have been shown to cause the skipping of exon 17 in minigene splicing and patient-derived RNA splicing assays (PMID: 28339459, 31843900), that is expected to cause in-frame deletion of 57 amino acids in the DNA binding where disease-causing missense variants are found (ClinVar variation ID: 38125, 38130, 52430, 52455). This variant has not been identified in the general population by the Genome Aggregation Database (gnomAD). Based on the available evidence, this variant is classified as Likely Pathogenic.

Labcorp Genetics (formerly Invitae), Labcorp
Classification: Pathogenic for Hereditary breast ovarian cancer syndrome. Last evaluated: 2022-05-17. Review status: criteria provided, single submitter. Criteria: Invitae Variant Classification Sherloc (09022015). Collection method: clinical testing. Allele origin: germline.
Comment: This variant is not present in population databases (gnomAD no frequency). This sequence change affects a donor splice site in intron 17 of the BRCA2 gene. RNA analysis indicates that disruption of this splice site induces altered splicing and likely results in a shortened protein product. Disruption of this splice site has been observed in individual(s) with breast cancer (PMID: 31528241). For these reasons, this variant has been classified as Pathogenic. This variant disrupts a region of the BRCA2 protein in which other variant(s) (p.Leu2653Pro) have been determined to be pathogenic (PMID: 17924331, 19043619, 21990134, 22678057, 23108138). This suggests that this is a clinically significant region of the protein, and that variants that disrupt it are likely to be disease-causing. Variants that disrupt the consensus splice site are a relatively common cause of aberrant splicing (PMID: 17576681, 9536098). Studies have shown that disruption of this splice site results in skipping of exon 17, but is expected to preserve the integrity of the reading-frame (PMID: 28339459, 31191615). ClinVar contains an entry for this variant (Variation ID: 267689).

Consortium of Investigators of Modifiers of BRCA1/2 (CIMBA), c/o University of Cambridge
Classification: Pathogenic for Breast-ovarian cancer, familial, susceptibility to, 2. Last evaluated: 2015-10-02. Review status: criteria provided, single submitter. Criteria: CIMBA Mutation Classification guidelines May 2016. Collection method: clinical testing. Allele origin: germline.

Literature cited by the submitters: PubMed 28339459 (cited by Color Diagnostics, LLC DBA Color Health and Labcorp Genetics (formerly Invitae), Labcorp); PubMed 31528241 (cited by Color Diagnostics, LLC DBA Color Health and Labcorp Genetics (formerly Invitae), Labcorp); PubMed 31843900 (cited by Color Diagnostics, LLC DBA Color Health); PubMed 37461096 (cited by Color Diagnostics, LLC DBA Color Health); PubMed 17924331 (cited by Labcorp Genetics (formerly Invitae), Labcorp); PubMed 19043619 (cited by Labcorp Genetics (formerly Invitae), Labcorp); PubMed 21990134 (cited by Labcorp Genetics (formerly Invitae), Labcorp); PubMed 22678057 (cited by Labcorp Genetics (formerly Invitae), Labcorp); PubMed 23108138 (cited by Labcorp Genetics (formerly Invitae), Labcorp); PubMed 17576681 (cited by Labcorp Genetics (formerly Invitae), Labcorp); PubMed 9536098 (cited by Labcorp Genetics (formerly Invitae), Labcorp); PubMed 31191615 (cited by Labcorp Genetics (formerly Invitae), Labcorp).